The following is an entry in ClinVar:

NM_173628.4(DNAH17):c.3958dup (p.Met1320fs)

Gene: DNAH17 (dynein axonemal heavy chain 17; minus strand). Cytogenetic location: 17q25.3.
Variant type: Duplication.
Coding change: c.3958dup on transcript NM_173628.4 (MANE Select); coding-DNA position 3958, one base duplicated (A; older notation c.3958dupA).
Protein change: p.Met1320fs; shifts the reading frame from methionine 1320.
Molecular consequence: frameshift variant.
Genome position (GRCh38, 1-based): chr17:78,514,929, T duplicated on the plus strand (A on the coding strand, the reverse complement: DNAH17 is on the minus strand). VCF-style (leftmost placement, unchanged base first): chr17-78514928-A-AT. GRCh37 (hg19) VCF-style: chr17-76511010-A-AT.
Other names: short protein forms M1320fs.
Identifiers: ClinVar variation 5005839 (VCV005005839.2).

ClinVar aggregate classification (germline): Likely pathogenic (1 of 4 stars; one submission).

Conditions:
Spermatogenic failure 39. Identifiers: MedGen C5231438, MONDO:0032845, OMIM 618643.

Submission:

Juno Genomics, Hangzhou Juno Genomics, Inc
Classification: Likely pathogenic for Spermatogenic failure 39. Review status: criteria provided, single submitter. Criteria: ACMG Guidelines, 2015. Collection method: clinical testing. Allele origin: germline.
Comment: Null variant in a gene where loss of function (LOF) is a known mechanism of disease.;Absent from controls (or at extremely low frequency if recessive) in Genome Aggregation Database.